The following is an entry in ClinVar:

ClinVar aggregate classification (germline): Likely pathogenic. Review status: criteria provided, multiple submitters, no conflicts (2 of 4 stars). 2 submissions from 2 submitters: Likely pathogenic (2). Last evaluated 2025-12-30.

Conditions:
Retinitis pigmentosa 55 (RP55). Identifiers: Orphanet 791, MedGen C3150808, MONDO:0013312, OMIM 613575.
Bardet-Biedl syndrome 3 (BBS3). Identifiers: Orphanet 110, MedGen C1859564, MONDO:0010832, OMIM 600151.
Abnormality of the eye. Identifiers: MedGen C4316870, HP:0000478.

Submissions (2):

Labcorp Genetics (formerly Invitae), Labcorp
Classification: Likely pathogenic for Retinitis pigmentosa 55; Bardet-Biedl syndrome 3. Last evaluated: 2025-12-30. Review status: criteria provided, single submitter. Criteria: Invitae Variant Classification Sherloc (09022015). Collection method: clinical testing. Allele origin: germline.
Comment: This sequence change affects a donor splice site in intron 6 of the ARL6 gene. It is expected to disrupt RNA splicing. Variants that disrupt the donor or acceptor splice site typically lead to a loss of protein function (PMID: 16199547), and loss-of-function variants in ARL6 are known to be pathogenic (PMID: 15258860, 19858128, 20142850, 22334370, 27486776, 31736247). This variant is not present in population databases (gnomAD no frequency). Disruption of this splice site has been observed in individual(s) with clinical features of ARL6-related conditions (PMID: 38374194). ClinVar contains an entry for this variant (Variation ID: 1180769). Algorithms developed to predict the effect of sequence changes on RNA splicing suggest that this variant may disrupt the consensus splice site. In summary, the currently available evidence indicates that the variant is pathogenic, but additional data are needed to prove that conclusively. Therefore, this variant has been classified as Likely Pathogenic.

Kariminejad - Najmabadi Pathology & Genetics Center
Classification: Likely pathogenic for Abnormality of the eye. Last evaluated: 2021-07-10. Review status: criteria provided, single submitter. Criteria: ACMG Guidelines, 2015. Collection method: clinical testing. Allele origin: germline. Affected: yes.

Literature cited by the submitters: PubMed 16199547 (cited by Labcorp Genetics (formerly Invitae), Labcorp); PubMed 15258860 (cited by Labcorp Genetics (formerly Invitae), Labcorp); PubMed 19858128 (cited by Labcorp Genetics (formerly Invitae), Labcorp); PubMed 20142850 (cited by Labcorp Genetics (formerly Invitae), Labcorp); PubMed 22334370 (cited by Labcorp Genetics (formerly Invitae), Labcorp); PubMed 27486776 (cited by Labcorp Genetics (formerly Invitae), Labcorp); PubMed 31736247 (cited by Labcorp Genetics (formerly Invitae), Labcorp); PubMed 38374194 (cited by Labcorp Genetics (formerly Invitae), Labcorp).

NM_001278293.3(ARL6):c.349+1G>A

Gene: ARL6 (ARF like GTPase 6; plus strand). Cytogenetic location: 3q11.2.
Variant type: single nucleotide variant.
Coding change: c.349+1G>A on transcript NM_001278293.3 (MANE Select); the canonical splice donor site of the intron after coding-DNA position 349, G replaced by A.
Molecular consequence: splice donor variant.
Genome position (GRCh38, 1-based): chr3:97,785,050, G>A. VCF-style: chr3-97785050-G-A. GRCh37 (hg19) VCF-style: chr3-97503894-G-A.
Other names: c.349+1G>A (NM_032146.5, NM_177976.3, NM_001323513.2 and 1 more transcripts).
Identifiers: ClinVar variation 1180769 (VCV001180769.2), dbSNP rs2108053962, ClinGen allele CA353587679.